The following is an entry in ClinVar:

ClinVar aggregate classification (germline): Uncertain significance. Review status: criteria provided, multiple submitters, no conflicts (2 of 4 stars). 2 submissions from 2 submitters: Uncertain significance (2). Last evaluated 2025-09-25.

gnomAD v4.1: 3 of 1,614,180 alleles (0.00019%); highest among the groups gnomAD compares: Admixed American, 0.005%; no homozygotes.

Submissions (2):

Ambry Genetics
Classification: Uncertain significance. Last evaluated: 2025-09-25. Review status: criteria provided, single submitter. Criteria: Ambry Variant Classification Scheme 2023. Collection method: clinical testing. Allele origin: germline.

GeneDx
Classification: Uncertain significance. Last evaluated: 2025-06-11. Review status: criteria provided, single submitter. Criteria: GeneDx Variant Classification Process June 2021. Collection method: clinical testing. Allele origin: germline. Affected: yes.
Comment: In silico analysis supports that this missense variant has a deleterious effect on protein structure/function; Has not been previously published as pathogenic or benign to our knowledge

NM_004319.3(ASTN1):c.3448G>T (p.Asp1150Tyr)

Gene: ASTN1 (astrotactin 1; minus strand). Cytogenetic location: 1q25.2.
Variant type: single nucleotide variant.
Coding change: c.3448G>T on transcript NM_004319.3 (MANE Select); coding-DNA position 3448, G replaced by T.
Protein change: p.Asp1150Tyr; replaces aspartic acid 1150 with tyrosine.
Molecular consequence: missense variant.
Genome position (GRCh38, 1-based): chr1:176,876,552, C>A on the plus strand (G>T on the coding strand, the complement: ASTN1 is on the minus strand). VCF-style: chr1-176876552-C-A. GRCh37 (hg19) VCF-style: chr1-176845688-C-A.
Other names: c.3448G>T, p.Asp1150Tyr (NM_001286164.2, NM_207108.3); c.3472G>T, p.Asp1158Tyr (NM_001364856.2); short protein forms D1150Y, D1158Y.
Identifiers: ClinVar variation 4538066 (VCV004538066.2).